The following is an entry in ClinVar:

NM_004064.5(CDKN1B):c.258G>T (p.Glu86Asp)

Gene: CDKN1B (cyclin dependent kinase inhibitor 1B; plus strand). Cytogenetic location: 12p13.1.
Variant type: single nucleotide variant.
Coding change: c.258G>T on transcript NM_004064.5 (MANE Select); coding-DNA position 258, G replaced by T.
Protein change: p.Glu86Asp; replaces glutamic acid 86 with aspartic acid.
Molecular consequence: missense variant.
Genome position (GRCh38, 1-based): chr12:12,718,097, G>T. VCF-style: chr12-12718097-G-T. GRCh37 (hg19) VCF-style: chr12-12871031-G-T.
Other names: short protein forms E86D.
Identifiers: ClinVar variation 1415722 (VCV001415722.12), dbSNP rs142940486, ClinGen allele CA6457428.
Genomic context (GRCh38, chr12:12,718,097, plus strand): 5'-TCACAAACCCCTAGAGGGCAAGTACGAGTGGCAAGAGGTGGAGAAGGGCAGCTTGCCCGA[G>T]TTCTACTACAGACCCCCGCGGCCCCCCAAAGGTGCCTGCAAGGTGCCGGCGCAGGAGAGC-3'
Protein context (NP_004055.1, residues 76-96): WQEVEKGSLP[Glu86Asp]FYYRPPRPPK

ClinVar aggregate classification (germline): Uncertain significance. Review status: criteria provided, multiple submitters, no conflicts (2 of 4 stars). 3 submissions from 3 submitters: Uncertain significance (3). Last evaluated 2025-05-05.

Conditions:
Hereditary cancer-predisposing syndrome. Also called: Hereditary neoplastic syndrome; Neoplastic Syndromes, Hereditary; Hereditary Cancer Syndrome; Tumor predisposition. Identifiers: Orphanet 140162, MedGen C0027672, MeSH D009386, MONDO:0015356.
Multiple endocrine neoplasia type 4. Also called: MULTIPLE ENDOCRINE NEOPLASIA, TYPE IV. Identifiers: Orphanet 276152, MedGen C1970712, MONDO:0012552, OMIM 610755.

Submissions (3):

Labcorp Genetics (formerly Invitae), Labcorp
Classification: Uncertain significance for Multiple endocrine neoplasia type 4. Last evaluated: 2025-05-05. Review status: criteria provided, single submitter. Criteria: Invitae Variant Classification Sherloc (09022015). Collection method: clinical testing. Allele origin: germline.
Comment: This sequence change replaces glutamic acid, which is acidic and polar, with aspartic acid, which is acidic and polar, at codon 86 of the CDKN1B protein (p.Glu86Asp). This variant is present in population databases (rs142940486, gnomAD 0.0009%). This missense change has been observed in individual(s) with prostate cancer (PMID: 15026335). ClinVar contains an entry for this variant (Variation ID: 1415722). An algorithm developed to predict the effect of missense changes on protein structure and function (PolyPhen-2) suggests that this variant is likely to be tolerated. In summary, the available evidence is currently insufficient to determine the role of this variant in disease. Therefore, it has been classified as a Variant of Uncertain Significance.

Ambry Genetics
Classification: Uncertain significance for Hereditary cancer-predisposing syndrome. Last evaluated: 2024-10-11. Review status: criteria provided, single submitter. Criteria: Ambry Variant Classification Scheme 2023. Collection method: clinical testing. Allele origin: germline.
Comment: The p.E86D variant (also known as c.258G>T), located in coding exon 1 of the CDKN1B gene, results from a G to T substitution at nucleotide position 258. The glutamic acid at codon 86 is replaced by aspartic acid, an amino acid with highly similar properties. This amino acid position is well conserved in available vertebrate species. In addition, this alteration is predicted to be tolerated by in silico analysis. Since supporting evidence is limited at this time, the clinical significance of this alteration remains unclear.

Baylor Genetics
Classification: Uncertain significance for Multiple endocrine neoplasia type 4. Last evaluated: 2023-09-04. Review status: criteria provided, single submitter. Criteria: ACMG Guidelines, 2015. Collection method: clinical testing. Allele origin: unknown.

Literature cited by the submitters: PubMed 15026335 (cited by Labcorp Genetics (formerly Invitae), Labcorp).